The following is an entry in ClinVar:

NM_001286577.2(C2CD3):c.4499A>G (p.Asn1500Ser)

Gene: C2CD3 (C2 domain containing 3 centriole elongation regulator; minus strand). Cytogenetic location: 11q13.4.
Variant type: single nucleotide variant.
Coding change: c.4499A>G on transcript NM_001286577.2 (MANE Select); coding-DNA position 4499, A replaced by G.
Protein change: p.Asn1500Ser; replaces asparagine 1500 with serine.
Molecular consequence: missense variant.
Genome position (GRCh38, 1-based): chr11:74,078,219, T>C on the plus strand (A>G on the coding strand, the complement: C2CD3 is on the minus strand). VCF-style: chr11-74078219-T-C. GRCh37 (hg19) VCF-style: chr11-73789264-T-C.
Other names: c.4499A>G, p.Asn1500Ser (NM_015531.6); c.4499A>G (NM_015531.4); short protein forms N1500S.
Identifiers: ClinVar variation 1509395 (VCV001509395.8), dbSNP rs113074900, ClinGen allele CA6182133.

ClinVar aggregate classification (germline): Uncertain significance. Review status: criteria provided, multiple submitters, no conflicts (2 of 4 stars). 2 submissions from 2 submitters: Uncertain significance (2). Last evaluated 2026-01-19.

Conditions:
Inborn genetic diseases. Identifiers: MedGen C0950123, MeSH D030342.

Allele frequency attached by ClinVar (database versions not stated): ExAC 0.00002; gnomAD exomes 0.00002; gnomAD 0.00007 and 0.00008; ESP Exome Variant Server 0.00008; TOPMed 0.00008.
gnomAD v4.1: 57 of 1,614,074 alleles (0.0035%); highest among the groups gnomAD compares: African/African-American, 0.043%; no homozygotes.

Submissions (2):

Labcorp Genetics (formerly Invitae), Labcorp
Classification: Uncertain significance. Last evaluated: 2026-01-19. Review status: criteria provided, single submitter. Criteria: Invitae Variant Classification Sherloc (09022015). Collection method: clinical testing. Allele origin: germline.
Comment: This sequence change replaces asparagine, which is neutral and polar, with serine, which is neutral and polar, at codon 1500 of the C2CD3 protein (p.Asn1500Ser). This variant is present in population databases (rs113074900, gnomAD 0.02%). This variant has not been reported in the literature in individuals affected with C2CD3-related conditions. ClinVar contains an entry for this variant (Variation ID: 1509395). Invitae Evidence Modeling of protein sequence and biophysical properties (such as structural, functional, and spatial information, amino acid conservation, physicochemical variation, residue mobility, and thermodynamic stability) indicates that this missense variant is not expected to disrupt C2CD3 protein function with a negative predictive value of 80%. In summary, the available evidence is currently insufficient to determine the role of this variant in disease. Therefore, it has been classified as a Variant of Uncertain Significance.

Ambry Genetics
Classification: Uncertain significance for Inborn genetic diseases. Last evaluated: 2024-07-25. Review status: criteria provided, single submitter. Criteria: Ambry Variant Classification Scheme 2023. Collection method: clinical testing. Allele origin: germline.